The following is an entry in ClinVar:

ClinVar aggregate classification (germline): Uncertain significance (1 of 4 stars; one submission).

Submission:

Labcorp Genetics (formerly Invitae), Labcorp
Classification: Uncertain significance. Last evaluated: 2024-07-08. Review status: criteria provided, single submitter. Criteria: Invitae Variant Classification Sherloc (09022015). Collection method: clinical testing. Allele origin: germline.
Comment: This sequence change replaces valine, which is neutral and non-polar, with isoleucine, which is neutral and non-polar, at codon 41 of the EBP protein (p.Val41Ile). This variant is present in population databases (rs782035136, gnomAD 0.005%). This variant has not been reported in the literature in individuals affected with EBP-related conditions. Algorithms developed to predict the effect of missense changes on protein structure and function output the following: SIFT: "Not Available"; PolyPhen-2: "Benign"; Align-GVGD: "Not Available". The isoleucine amino acid residue is found in multiple mammalian species, which suggests that this missense change does not adversely affect protein function. In summary, the available evidence is currently insufficient to determine the role of this variant in disease. Therefore, it has been classified as a Variant of Uncertain Significance.

NM_006579.3(EBP):c.121G>A (p.Val41Ile)

Gene: EBP (EBP cholestenol delta-isomerase; plus strand). Cytogenetic location: Xp11.23.
Variant type: single nucleotide variant.
Coding change: c.121G>A on transcript NM_006579.3 (MANE Select); coding-DNA position 121, G replaced by A.
Protein change: p.Val41Ile; replaces valine 41 with isoleucine.
Molecular consequence: missense variant.
Genome position (GRCh38, 1-based): chrX:48,523,892, G>A. VCF-style: chrX-48523892-G-A. GRCh37 (hg19) VCF-style: chrX-48382280-G-A.
Other names: short protein forms V41I.
Identifiers: ClinVar variation 3606856 (VCV003606856.2).